The following is an entry in ClinVar:

ClinVar aggregate classification (germline): Uncertain significance. Review status: criteria provided, multiple submitters, no conflicts (2 of 4 stars). 2 submissions from 2 submitters: Uncertain significance (2). Last evaluated 2019-05-29.

Conditions:
Cardiovascular phenotype. Identifiers: MedGen CN230736.
Dilated cardiomyopathy 1G (CMD1G). Identifiers: Orphanet 154, MedGen C1858763, MONDO:0011400, OMIM 604145.
Autosomal recessive limb-girdle muscular dystrophy type 2J (LGMDR10). Also called: Limb-girdle muscular dystrophy, type 2J; MUSCULAR DYSTROPHY, LIMB-GIRDLE, AUTOSOMAL RECESSIVE 10. Identifiers: Orphanet 140922, MedGen C1837342, MONDO:0012127, OMIM 608807.

Allele frequency attached by ClinVar (database versions not stated): gnomAD exomes below 0.00001; gnomAD 0.00001.
gnomAD v4.1: 4 of 1,613,692 alleles (0.00025%); highest among the groups gnomAD compares: Non-Finnish European, 0.00017%; no homozygotes.

Submissions (2):

Ambry Genetics
Classification: Uncertain significance for Cardiovascular phenotype. Last evaluated: 2019-05-29. Review status: criteria provided, single submitter. Criteria: Ambry Variant Classification Scheme 2023. Collection method: clinical testing. Allele origin: germline.
Comment: The p.V24117I variant (also known as c.72349G>A), located in coding exon 182 of the TTN gene, results from a G to A substitution at nucleotide position 72349. The valine at codon 24117 is replaced by isoleucine, an amino acid with highly similar properties. This amino acid position is not well conserved in available vertebrate species, and isoleucine is the reference amino acid in other vertebrate species. In addition, this alteration is predicted to be tolerated by in silico analysis. Since supporting evidence is limited at this time, the clinical significance of this alteration remains unclear.

Labcorp Genetics (formerly Invitae), Labcorp
Classification: Uncertain significance for Dilated cardiomyopathy 1G; Autosomal recessive limb-girdle muscular dystrophy type 2J. Last evaluated: 2016-10-03. Review status: criteria provided, single submitter. Criteria: Invitae Variant Classification Sherloc (09022015). Collection method: clinical testing. Allele origin: germline.

NM_001267550.2(TTN):c.99544G>A (p.Val33182Ile)

Genes: TTN (titin; minus strand), TTN-AS1 (TTN antisense RNA 1; plus strand). Cytogenetic location: 2q31.2.
Variant type: single nucleotide variant.
Coding change: c.99544G>A on transcript NM_001267550.2 (MANE Select); coding-DNA position 99544, G replaced by A.
Protein change: p.Val33182Ile; replaces valine 33182 with isoleucine.
Molecular consequence: missense variant. On other transcripts: non-coding transcript variant (1).
Genome position (GRCh38, 1-based): chr2:178,537,663, C>T on the plus strand (G>A on the coding strand, the complement: TTN is on the minus strand). VCF-style: chr2-178537663-C-T. GRCh37 (hg19) VCF-style: chr2-179402390-C-T.
Other names: c.94621G>A, p.Val31541Ile (NM_001256850.1); c.72349G>A, p.Val24117Ile (NM_003319.4); c.91840G>A, p.Val30614Ile (NM_133378.4); c.72724G>A, p.Val24242Ile (NM_133432.3); c.72925G>A, p.Val24309Ile (NM_133437.4); short protein forms V33182I, V24309I, V31541I, V24117I, V30614I, V24242I.
Identifiers: ClinVar variation 405017 (VCV000405017.5), dbSNP rs1060500530, ClinGen allele CA16610313.